The following is an entry in ClinVar:

NM_021076.4(NEFH):c.2724G>C (p.Lys908Asn)

Gene: NEFH (neurofilament heavy chain; plus strand). Cytogenetic location: 22q12.2.
Variant type: single nucleotide variant.
Coding change: c.2724G>C on transcript NM_021076.4 (MANE Select); coding-DNA position 2724, G replaced by C.
Protein change: p.Lys908Asn; replaces lysine 908 with asparagine.
Molecular consequence: missense variant.
Genome position (GRCh38, 1-based): chr22:29,490,364, G>C. VCF-style: chr22-29490364-G-C. GRCh37 (hg19) VCF-style: chr22-29886353-G-C.
Other names: short protein forms K908N.
Identifiers: ClinVar variation 3637764 (VCV003637764.2).

ClinVar aggregate classification (germline): Uncertain significance (1 of 4 stars; one submission).

gnomAD v4.1: 3 of 1,613,534 alleles (0.00019%); highest among the groups gnomAD compares: Non-Finnish European, 0.00025%; no homozygotes.

Submission:

Labcorp Genetics (formerly Invitae), Labcorp
Classification: Uncertain significance. Last evaluated: 2024-10-28. Review status: criteria provided, single submitter. Criteria: Invitae Variant Classification Sherloc (09022015). Collection method: clinical testing. Allele origin: germline.
Comment: This sequence change replaces lysine, which is basic and polar, with asparagine, which is neutral and polar, at codon 908 of the NEFH protein (p.Lys908Asn). This variant is not present in population databases (gnomAD no frequency). This variant has not been reported in the literature in individuals affected with NEFH-related conditions. Invitae Evidence Modeling of protein sequence and biophysical properties (such as structural, functional, and spatial information, amino acid conservation, physicochemical variation, residue mobility, and thermodynamic stability) indicates that this missense variant is not expected to disrupt NEFH protein function with a negative predictive value of 95%. In summary, the available evidence is currently insufficient to determine the role of this variant in disease. Therefore, it has been classified as a Variant of Uncertain Significance.